The following is an entry in ClinVar:

NM_000186.4(CFH):c.2777G>T (p.Cys926Phe)

Gene: CFH (complement factor H; plus strand). Cytogenetic location: 1q31.3.
Variant type: single nucleotide variant.
Coding change: c.2777G>T on transcript NM_000186.4 (MANE Select); coding-DNA position 2777, G replaced by T.
Protein change: p.Cys926Phe; replaces cysteine 926 with phenylalanine.
Molecular consequence: missense variant.
Genome position (GRCh38, 1-based): chr1:196,737,655, G>T. VCF-style: chr1-196737655-G-T. GRCh37 (hg19) VCF-style: chr1-196706785-G-T.
Other names: short protein forms C926F.
Identifiers: ClinVar variation 4291509 (VCV004291509.1).

ClinVar aggregate classification (germline): Uncertain significance (1 of 4 stars; one submission).

Conditions:
Atypical hemolytic-uremic syndrome. Identifiers: Orphanet 2134, MedGen C2931788, MONDO:0016244.

Submission:

Genomenon, Inc
Classification: Uncertain significance for Atypical hemolytic-uremic syndrome. Last evaluated: 2025-10-02. Review status: criteria provided, single submitter. Criteria: Genomenon Sequence Variant Interpretation Standards - Updated. Collection method: curation. Allele origin: germline. Affected: yes.
Comment: CFH p.Cys926Phe (c.2777G>T) is a missense variant that changes the amino acid at residue 926 from Cysteine to Phenylalanine. This variant has been observed in at least one proband affected with atypical hemolytic uremic syndrome (PMID:14986080). It is absent or not present at a significant frequency in gnomAD. In silico models agree that this variant is possibly or probably damaging. In conclusion, we classify CFH p.Cys926Phe (c.2777G>T) as a variant of uncertain significance.

Literature cited by the submitters: PubMed 14986080.